The following is an entry in ClinVar:

ClinVar aggregate classification (germline): Uncertain significance. Review status: criteria provided, single submitter (1 of 4 stars). 2 submissions from 2 submitters: Uncertain significance (1). 1 of the submissions does not count toward it. Last evaluated 2019-06-18.

Conditions:
CDH23-related disorder. Also called: CDH23-related disorders; CDH23-related condition.

Allele frequency attached by ClinVar (database versions not stated): gnomAD exomes below 0.00001; gnomAD 0.00003.

Submissions (2):

Laboratory for Molecular Medicine, Mass General Brigham Personalized Medicine
Classification: Uncertain significance. Last evaluated: 2019-06-18. Review status: criteria provided, single submitter. Criteria: LMM Criteria. Collection method: clinical testing. Allele origin: germline. Observed: 2 variant alleles.
Comment: Variant classified as Uncertain Significance - Favor Pathogenic. The p.Glu44Lys variant in CDH23 has been previously reported in two individuals with clinical features of Usher syndrome type 1, including one heterozygous individual and one individual who carried p.Glu44Lys in the compound heterozygous state with a pathogenic CDH23 variant (Bujakowska 2014, Okano 2019). This variant has been identified in 0.006% (1/15432) of European chromosomes by gnomAD. Computational prediction tools and conservation analysis do not provide strong support for or against an impact to the protein. In summary, while there is some suspicion for a pathogenic role, the clinical significance of the p.Glu44Lys variant is uncertain. ACMG/AMP Criteria applied: PM2, PM3, PP4.

PreventionGenetics, part of Exact Sciences
Classification: Uncertain significance for CDH23-related condition. Last evaluated: 2024-08-28. Review status: no assertion criteria provided. Collection method: clinical testing. Allele origin: germline. Not counted in ClinVar's aggregate classification.
Comment: The CDH23 c.130G>A variant is predicted to result in the amino acid substitution p.Glu44Lys. This variant was reported in the compound heterozygous state in an individual with Usher syndrome (Okano et al. 2019. PubMed ID: 30774966). This variant is reported in 0.0065% of alleles in individuals of European (Non-Finnish) descent in gnomAD. Although we suspect that this variant may be pathogenic, at this time, the clinical significance of this variant is uncertain due to the absence of conclusive functional and genetic evidence.

Literature cited by the submitters: PubMed 25468891 (cited by Laboratory for Molecular Medicine, Mass General Brigham Personalized Medicine); PubMed 30774966 (cited by Laboratory for Molecular Medicine, Mass General Brigham Personalized Medicine).

NM_022124.6(CDH23):c.130G>A (p.Glu44Lys)

Gene: CDH23 (cadherin related 23; plus strand). Cytogenetic location: 10q22.1.
Variant type: single nucleotide variant.
Coding change: c.130G>A on transcript NM_022124.6 (MANE Select); coding-DNA position 130, G replaced by A.
Protein change: p.Glu44Lys; replaces glutamic acid 44 with lysine.
Molecular consequence: missense variant.
Genome position (GRCh38, 1-based): chr10:71,446,380, G>A. VCF-style: chr10-71446380-G-A. GRCh37 (hg19) VCF-style: chr10-73206137-G-A.
Other names: c.130G>A, p.Glu44Lys (NM_001171930.2, NM_001171931.2, NM_001171932.2 and 1 more transcripts); short protein forms E44K.
Identifiers: ClinVar variation 667207 (VCV000667207.6), dbSNP rs1390133151, ClinGen allele CA377114835.